The following is an entry in ClinVar:

ClinVar aggregate classification (germline): Uncertain significance. Review status: criteria provided, multiple submitters, no conflicts (2 of 4 stars). 3 submissions from 3 submitters: Uncertain significance (3). Last evaluated 2025-10-28.

Conditions:
Hereditary cancer-predisposing syndrome. Also called: Hereditary neoplastic syndrome; Neoplastic Syndromes, Hereditary; Tumor predisposition; Hereditary Cancer Syndrome. Identifiers: Orphanet 140162, MedGen C0027672, MeSH D009386, MONDO:0015356.
Hereditary diffuse gastric adenocarcinoma (HDGC). Also called: DIFFUSE GASTRIC AND LOBULAR BREAST CANCER SYNDROME. Identifiers: Orphanet 26106, MedGen C1708349, MONDO:0007648, OMIM 137215.

Allele frequency attached by ClinVar (database versions not stated): gnomAD exomes below 0.00001.
gnomAD v4.1: 2 of 1,614,126 alleles (0.00012%); highest among the groups gnomAD compares: South Asian, 0.0022%; no homozygotes.

Submissions (3):

Labcorp Genetics (formerly Invitae), Labcorp
Classification: Uncertain significance for Hereditary diffuse gastric adenocarcinoma. Last evaluated: 2025-10-28. Review status: criteria provided, single submitter. Criteria: Invitae Variant Classification Sherloc (09022015). Collection method: clinical testing. Allele origin: germline.
Comment: This sequence change replaces valine, which is neutral and non-polar, with phenylalanine, which is neutral and non-polar, at codon 266 of the CDH1 protein (p.Val266Phe). This variant is not present in population databases (gnomAD no frequency). This missense change has been observed in individual(s) with breast cancer (PMID: 30287823). ClinVar contains an entry for this variant (Variation ID: 481087). An algorithm developed to predict the effect of missense changes on protein structure and function (PolyPhen-2) suggests that this variant is likely to be disruptive. In summary, the available evidence is currently insufficient to determine the role of this variant in disease. Therefore, it has been classified as a Variant of Uncertain Significance.

Ambry Genetics
Classification: Uncertain significance for Hereditary cancer-predisposing syndrome. Last evaluated: 2023-12-05. Review status: criteria provided, single submitter. Criteria: Ambry Variant Classification Scheme 2023. Collection method: clinical testing. Allele origin: germline.
Comment: The p.V266F variant (also known as c.796G>T), located in coding exon 6 of the CDH1 gene, results from a G to T substitution at nucleotide position 796. The valine at codon 266 is replaced by phenylalanine, an amino acid with highly similar properties. This alteration was observed in 1/7051 unselected female breast cancer patients and was not observed in 11241 female controls of Japanese ancestry. In addition, it was not observed in unselected male breast cancer patients and was observed in 1/12490 male controls of Japanese ancestry (Momozawa Y et al. Nat Commun, 2018 10;9:4083). This amino acid position is well conserved in available vertebrate species. In addition, this alteration is predicted to be tolerated by in silico analysis. Since supporting evidence is limited at this time, the clinical significance of this alteration remains unclear.

Color Diagnostics, LLC DBA Color Health
Classification: Uncertain significance for Hereditary cancer-predisposing syndrome. Last evaluated: 2023-07-31. Review status: criteria provided, single submitter. Criteria: ACMG Guidelines, 2015. Collection method: clinical testing. Allele origin: germline.
Comment: This missense variant replaces valine with phenylalanine at codon 266 of the CDH1 protein. To our knowledge, functional studies have not been reported for this variant. This variant has been reported in individuals affected with breast cancer and in unaffected individuals (PMID: 30287823, 32980694, DOI: 10.5455/annalsmedres.2020.04.415). In a large breast cancer case-control study conducted by the BRIDGES consortium, this variant was reported in 1/60466 cases and 3/53461 unaffected controls, showing inconclusive association with disease (OR=0.295 (95%CI 0.031 to 2.833); p-value=0.347; Leiden Open Variation Database DB-ID CDH1_000236) (PMID: 33471991). This variant has not been identified in the general population by the Genome Aggregation Database (gnomAD). The available evidence is insufficient to determine the role of this variant in disease conclusively. Therefore, this variant is classified as a Variant of Uncertain Significance.

Literature cited by the submitters: PubMed 30287823 (cited by 3 submitters); PubMed 32980694 (cited by Color Diagnostics, LLC DBA Color Health); PubMed 33471991 (cited by Color Diagnostics, LLC DBA Color Health).

NM_004360.5(CDH1):c.796G>T (p.Val266Phe)

Gene: CDH1 (cadherin 1; plus strand). Cytogenetic location: 16q22.1.
Variant type: single nucleotide variant.
Coding change: c.796G>T on transcript NM_004360.5 (MANE Select); coding-DNA position 796, G replaced by T.
Protein change: p.Val266Phe; replaces valine 266 with phenylalanine.
Molecular consequence: missense variant. On other transcripts: 5 prime UTR variant (2).
Genome position (GRCh38, 1-based): chr16:68,810,305, G>T. VCF-style: chr16-68810305-G-T. GRCh37 (hg19) VCF-style: chr16-68844208-G-T.
Other names: c.796G>T (LRG_301t1); c.796G>T, p.Val266Phe (NM_001317184.2); c.-820G>T (NM_001317185.2); c.-1024G>T (NM_001317186.2); short protein forms V266F.
Identifiers: ClinVar variation 481087 (VCV000481087.13), dbSNP rs1555515463, ClinGen allele CA396458815.
Genomic context (GRCh38, chr16:68,810,305, plus strand): 5'-ATGGAGATTTTGATCACGGTAACCGATCAGAATGACAACAAGCCCGAATTCACCCAGGAG[G>T]TCTTTAAGGGGTCTGTCATGGAAGGTGCTCTTCCAGGTATATCCACTAATGAGAATCTGA-3'
Protein context (NP_004351.1, residues 256-276): NDNKPEFTQE[Val266Phe]FKGSVMEGAL